The following is an entry in ClinVar:

NM_001387220.1(IKZF2):c.738A>C (p.Glu246Asp)

Gene: IKZF2 (IKAROS family zinc finger 2; minus strand). Cytogenetic location: 2q34.
Variant type: single nucleotide variant.
Coding change: c.738A>C on transcript NM_001387220.1 (MANE Select); coding-DNA position 738, A replaced by C.
Protein change: p.Glu246Asp; replaces glutamic acid 246 with aspartic acid.
Molecular consequence: missense variant. On other transcripts: intron variant (1).
Genome position (GRCh38, 1-based): chr2:213,013,909, T>G on the plus strand (A>C on the coding strand, the complement: IKZF2 is on the minus strand). VCF-style: chr2-213013909-T-G. GRCh37 (hg19) VCF-style: chr2-213878633-T-G.
Other names: c.660A>C, p.Glu220Asp (NM_001079526.2, NM_001371275.1, NM_001371276.1); c.738A>C, p.Glu246Asp (NM_001371274.1, NM_016260.3); c.632-5825A>C (NM_001371277.1); short protein forms E220D, E246D.
Identifiers: ClinVar variation 4274612 (VCV004274612.2).

ClinVar aggregate classification (germline): Uncertain significance. Review status: criteria provided, multiple submitters, no conflicts (2 of 4 stars). 2 submissions from 2 submitters: Uncertain significance (2). Last evaluated 2026-07-29.

Conditions:
IKZF2-related condition.

gnomAD v4.1: 7 of 1,611,546 alleles (0.00043%); highest among the groups gnomAD compares: Non-Finnish European, 0.00059%; no homozygotes.

Submissions (2):

PreventionGenetics, part of Exact Sciences
Classification: Uncertain significance for IKZF2-related condition. Last evaluated: 2026-07-29. Review status: criteria provided, single submitter. Criteria: ACMG Guidelines, 2015. Collection method: clinical testing. Allele origin: germline.
Comment: The IKZF2 c.738A>C variant is predicted to result in the amino acid substitution p.Glu246Asp. To our knowledge, this variant has not been reported in the literature or in a large population database (gnomAD), indicating this variant is rare. At this time, the clinical significance of this variant is uncertain due to the absence of conclusive functional and genetic evidence.

Ambry Genetics
Classification: Uncertain significance. Last evaluated: 2025-09-10. Review status: criteria provided, single submitter. Criteria: Ambry Variant Classification Scheme 2023. Collection method: clinical testing. Allele origin: germline.